The following is an entry in ClinVar:

GRCh37/hg19 16p13.3(chr16:2092335-2112105)

Genes: NTHL1 (nth like DNA glycosylase 1; minus strand), PKD1 (polycystin 1, transient receptor potential channel interacting; minus strand), TSC2 (TSC complex subunit 2; plus strand). Cytogenetic location: 16p13.3.
Variant type: copy number loss.
Identifiers: ClinVar variation 830074 (VCV000830074.1).

ClinVar aggregate classification (germline): Pathogenic (1 of 4 stars; one submission).

Conditions:
Polycystic kidney disease, adult type (PKD1). Also called: Polycystic Kidney, Autosomal Dominant; POLYCYSTIC KIDNEY DISEASE, ADULT, TYPE I; Polycystic Kidney Disease 1, Autosomal Dominant; Polycystic kidney disease 1; Polycystic kidney disease 1, severe; POLYCYSTIC KIDNEY DISEASE 1 WITH OR WITHOUT POLYCYSTIC LIVER DISEASE. Identifiers: MedGen C3149841, MONDO:0008263, OMIM 173900.

Submission:

Cavalleri Lab, Royal College of Surgeons in Ireland
Classification: Pathogenic for Polycystic kidney disease, adult type. Last evaluated: 2020-02-05. Review status: criteria provided, single submitter. Criteria: ACMG/ClinGen CNV Guidelines, 2019. Collection method: research. Allele origin: unknown. Inheritance: Autosomal dominant inheritance. Affected: yes.
Comment: Large deletion within PKD1 (exact coordinates not clear), not observed in healthy control populations, good phenotypic fit for patient